The following is an entry in ClinVar:

ClinVar aggregate classification (germline): Uncertain significance. Review status: criteria provided, multiple submitters, no conflicts (2 of 4 stars). 4 submissions from 4 submitters: Uncertain significance (4). Last evaluated 2026-02-09.

Conditions:
Hereditary cancer-predisposing syndrome. Also called: Tumor predisposition; Hereditary neoplastic syndrome; Hereditary Cancer Syndrome; Neoplastic Syndromes, Hereditary. Identifiers: Orphanet 140162, MedGen C0027672, MeSH D009386, MONDO:0015356.
Familial adenomatous polyposis 1 (FAP1). Also called: FAMILIAL ADENOMATOUS POLYPOSIS 1, ATTENUATED; POLYPOSIS, ADENOMATOUS INTESTINAL. Identifiers: MedGen C2713442, MONDO:0021056, OMIM 175100. Disease mechanism: loss of function.

Submissions (4):

Ambry Genetics
Classification: Uncertain significance for Hereditary cancer-predisposing syndrome. Last evaluated: 2026-02-09. Review status: criteria provided, single submitter. Criteria: Ambry Variant Classification Scheme 2023. Collection method: clinical testing. Allele origin: germline.
Comment: The p.E1513Q variant (also known as c.4537G>C), located in coding exon 15 of the APC gene, results from a G to C substitution at nucleotide position 4537. The glutamic acid at codon 1513 is replaced by glutamine, an amino acid with highly similar properties. This amino acid position is highly conserved in available vertebrate species. In addition, in silico predictors for this gene do not accurately predict pathogenicity. Missense variants in APC are not a common cause of disease (Spier I et al. Genet Med. 2024 Feb;26(2):100992). Based on the available evidence, the clinical significance of this variant remains unclear.

Labcorp Genetics (formerly Invitae), Labcorp
Classification: Uncertain significance for Familial adenomatous polyposis 1. Last evaluated: 2025-10-01. Review status: criteria provided, single submitter. Criteria: Invitae Variant Classification Sherloc (09022015). Collection method: clinical testing. Allele origin: germline.
Comment: This sequence change replaces glutamic acid, which is acidic and polar, with glutamine, which is neutral and polar, at codon 1513 of the APC protein (p.Glu1513Gln). This variant is not present in population databases (gnomAD no frequency). This variant has not been reported in the literature in individuals affected with APC-related conditions. ClinVar contains an entry for this variant (Variation ID: 993039). Invitae Evidence Modeling of protein sequence and biophysical properties (such as structural, functional, and spatial information, amino acid conservation, physicochemical variation, residue mobility, and thermodynamic stability) indicates that this missense variant is not expected to disrupt APC protein function with a negative predictive value of 95%. In summary, the available evidence is currently insufficient to determine the role of this variant in disease. Therefore, it has been classified as a Variant of Uncertain Significance.

Baylor Genetics
Classification: Uncertain significance for Familial adenomatous polyposis 1. Last evaluated: 2023-10-23. Review status: criteria provided, single submitter. Criteria: ACMG Guidelines, 2015. Collection method: clinical testing. Allele origin: unknown.

Quest Diagnostics Nichols Institute San Juan Capistrano
Classification: Uncertain significance. Last evaluated: 2020-04-08. Review status: criteria provided, single submitter. Criteria: Quest Diagnostics criteria. Collection method: clinical testing. Allele origin: unknown.

NM_000038.6(APC):c.4537G>C (p.Glu1513Gln)

Gene: APC (APC regulator of Wnt signaling pathway; plus strand). Cytogenetic location: 5q22.2.
Variant type: single nucleotide variant.
Coding change: c.4537G>C on transcript NM_000038.6 (MANE Select); coding-DNA position 4537, G replaced by C.
Protein change: p.Glu1513Gln; replaces glutamic acid 1513 with glutamine.
Molecular consequence: missense variant.
Genome position (GRCh38, 1-based): chr5:112,840,131, G>C. VCF-style: chr5-112840131-G-C. GRCh37 (hg19) VCF-style: chr5-112175828-G-C.
Other names: c.4453G>C, p.Glu1485Gln (NM_001354899.2); c.4414G>C, p.Glu1472Gln (NM_001354900.2); c.4360G>C, p.Glu1454Gln (NM_001354901.2); c.4264G>C, p.Glu1422Gln (NM_001354902.2); c.4234G>C, p.Glu1412Gln (NM_001354903.2); c.4159G>C, p.Glu1387Gln (NM_001354904.2); c.4057G>C, p.Glu1353Gln (NM_001354905.2); c.3688G>C, p.Glu1230Gln (NM_001354906.2); and 5 more; short protein forms E1230Q, E1353Q, E1387Q, E1412Q, E1422Q, E1454Q, E1472Q, E1485Q.
Identifiers: ClinVar variation 993039 (VCV000993039.7), dbSNP rs1765705285, ClinGen allele CA16031257.
Genomic context (GRCh38, chr5:112,840,131, plus strand): 5'-ACGGAAAGTACTCCAGATGGATTTTCTTGTTCATCCAGCCTGAGTGCTCTGAGCCTCGAT[G>C]AGCCATTTATACAGAAAGATGTGGAATTAAGAATAATGCCTCCAGTTCAGGAAAATGACA-3'
Protein context (NP_000029.2, residues 1503-1523): SSSLSALSLD[Glu1513Gln]PFIQKDVELR